The following is an entry in ClinVar:

NM_000154.2(GALK1):c.793+2T>G

Gene: GALK1 (galactokinase 1; minus strand). Cytogenetic location: 17q25.1.
Variant type: single nucleotide variant.
Coding change: c.793+2T>G on transcript NM_000154.2 (MANE Select); the canonical splice donor site of the intron after coding-DNA position 793, T replaced by G.
Molecular consequence: splice donor variant.
Genome position (GRCh38, 1-based): chr17:75,762,702, A>C on the plus strand (T>G on the coding strand, the complement: GALK1 is on the minus strand). VCF-style: chr17-75762702-A-C. GRCh37 (hg19) VCF-style: chr17-73758783-A-C.
Other names: c.793+2T>G (NM_001381985.1, NM_000154.1).
Identifiers: ClinVar variation 1897311 (VCV001897311.8), dbSNP rs759699355, ClinGen allele CA401102571.

ClinVar aggregate classification (germline): Pathogenic/Likely pathogenic. Review status: criteria provided, multiple submitters, no conflicts (2 of 4 stars). 4 submissions from 4 submitters: Pathogenic (1); Likely pathogenic (2). 1 of the submissions does not count toward it. Last evaluated 2025-08-18.

Conditions:
GALK1-related disorder. Also called: GALK1-related condition.
Deficiency of galactokinase. Also called: Galactokinase deficiency with cataracts; GALACTOSEMIA II. Identifiers: Orphanet 352, Orphanet 79237, MedGen C0268155, MONDO:0009255, OMIM 230200.

Submissions (4):

Natera, Inc.
Classification: Likely pathogenic for Deficiency of galactokinase. Last evaluated: 2025-08-18. Review status: criteria provided, single submitter. Criteria: Natera Variant Classification Schema (03/2026). Collection method: clinical testing. Allele origin: germline.
Comment: The c.793+2T>G variant in GALK1 is a canonical splice donor site variant predicted to affect pre-mRNA splicing, which may result in an abnormal transcript and altered protein product. This variant is expected to result in nonsense mediated decay, truncation, or a dysfunctional protein product. This variant is rare in the general population with a frequency below the threshold expected for the associated phenotype(s). Given the available evidence, this variant is classified as Likely Pathogenic.

Labcorp Genetics (formerly Invitae), Labcorp
Classification: Pathogenic for Deficiency of galactokinase. Last evaluated: 2022-04-18. Review status: criteria provided, single submitter. Criteria: Invitae Variant Classification Sherloc (09022015). Collection method: clinical testing. Allele origin: germline.
Comment: For these reasons, this variant has been classified as Pathogenic. Algorithms developed to predict the effect of sequence changes on RNA splicing suggest that this variant may disrupt the consensus splice site. Disruption of this splice site has been observed in individual(s) with galactokinase deficiency (Invitae). In at least one individual the data is consistent with being in trans (on the opposite chromosome) from a pathogenic variant. This variant is not present in population databases (gnomAD no frequency). This sequence change affects a donor splice site in intron 5 of the GALK1 gene. It is expected to disrupt RNA splicing. Variants that disrupt the donor or acceptor splice site typically lead to a loss of protein function (PMID: 16199547), and loss-of-function variants in GALK1 are known to be pathogenic (PMID: 7670469, 10790206).

Baylor Genetics
Classification: Likely pathogenic for Deficiency of galactokinase. Last evaluated: 2022-03-02. Review status: criteria provided, single submitter. Criteria: ACMG Guidelines, 2015. Collection method: clinical testing. Allele origin: unknown.

PreventionGenetics, part of Exact Sciences
Classification: Likely pathogenic for GALK1-related condition. Last evaluated: 2024-04-05. Review status: no assertion criteria provided. Collection method: clinical testing. Allele origin: germline. Not counted in ClinVar's aggregate classification.
Comment: The GALK1 c.793+2T>G variant is predicted to disrupt the GT donor site and interfere with normal splicing. To our knowledge, this variant has not been reported in the literature or in a large population database, indicating this variant is rare. Variants that disrupt the consensus splice donor site in GALK1 are expected to be pathogenic. This variant is interpreted as likely pathogenic.

Literature cited by the submitters: PubMed 16199547 (cited by Labcorp Genetics (formerly Invitae), Labcorp); PubMed 7670469 (cited by Labcorp Genetics (formerly Invitae), Labcorp); PubMed 10790206 (cited by Labcorp Genetics (formerly Invitae), Labcorp).